The following is an entry in ClinVar:

ClinVar aggregate classification (germline): Uncertain significance (1 of 4 stars; one submission).

Conditions:
Muscular dystrophy-dystroglycanopathy type B6 (MDDGB6). Also called: MUSCULAR DYSTROPHY, CONGENITAL, LARGE-RELATED; MUSCULAR DYSTROPHY, CONGENITAL, TYPE 1D; MUSCULAR DYSTROPHY-DYSTROGLYCANOPATHY (CONGENITAL WITH IMPAIRED INTELLECTUAL DEVELOPMENT), TYPE B, 6. Identifiers: MedGen C1837229, MONDO:0012138, OMIM 608840.

Submission:

Labcorp Genetics (formerly Invitae), Labcorp
Classification: Uncertain significance for Muscular dystrophy-dystroglycanopathy type B6. Last evaluated: 2019-08-20. Review status: criteria provided, single submitter. Criteria: Invitae Variant Classification Sherloc (09022015). Collection method: clinical testing. Allele origin: germline.
Comment: This variant has not been reported in the literature in individuals with LARGE1-related conditions. In summary, the available evidence is currently insufficient to determine the role of this variant in disease. Therefore, it has been classified as a Variant of Uncertain Significance. Algorithms developed to predict the effect of missense changes on protein structure and function are either unavailable or do not agree on the potential impact of this missense change (SIFT: "Deleterious"; PolyPhen-2: "Probably Damaging"; Align-GVGD: "Class C0"). This variant is not present in population databases (ExAC no frequency). This sequence change replaces histidine with aspartic acid at codon 380 of the LARGE1 protein (p.His380Asp). The histidine residue is highly conserved and there is a moderate physicochemical difference between histidine and aspartic acid.

NM_133642.5(LARGE1):c.1138C>G (p.His380Asp)

Gene: LARGE1 (LARGE xylosyl- and glucuronyltransferase 1; minus strand). Cytogenetic location: 22q12.3.
Variant type: single nucleotide variant.
Coding change: c.1138C>G on transcript NM_133642.5 (MANE Select); coding-DNA position 1138, C replaced by G.
Protein change: p.His380Asp; replaces histidine 380 with aspartic acid.
Molecular consequence: missense variant. On other transcripts: intron variant (2).
Genome position (GRCh38, 1-based): chr22:33,337,795, G>C on the plus strand (C>G on the coding strand, the complement: LARGE1 is on the minus strand). VCF-style: chr22-33337795-G-C. GRCh37 (hg19) VCF-style: chr22-33733781-G-C.
Other names: c.1138C>G, p.His380Asp (NM_001362949.2, NM_001362951.2, NM_001362953.2 and 6 more transcripts); c.535C>G, p.His179Asp (NM_001378630.1); c.1132-21547C>G (NM_001378629.1); c.529-21547C>G (NM_001378631.1); short protein forms H179D, H380D.
Identifiers: ClinVar variation 943791 (VCV000943791.10), dbSNP rs1938648531, ClinGen allele CA411543898.